The following is an entry in ClinVar:

NM_001384732.1(CPLANE1):c.3094_3095del (p.Val1032fs)

Gene: CPLANE1 (ciliogenesis and planar polarity effector complex subunit 1; minus strand). Cytogenetic location: 5p13.2.
Variant type: Deletion.
Coding change: c.3094_3095del on transcript NM_001384732.1 (MANE Select); coding-DNA positions 3094 to 3095, 2 bases deleted (GT; older notation c.3094_3095delGT).
Protein change: p.Val1032fs; shifts the reading frame from valine 1032.
Molecular consequence: frameshift variant.
Genome position (GRCh38, 1-based): chr5:37,206,251-37,206,252, AC deleted on the plus strand (GT on the coding strand, the reverse complement: CPLANE1 is on the minus strand); deleting any 2 consecutive bases within chr5:37,206,251-37,206,253 gives the same sequence; the c. name uses the placement nearest the transcript's 3' end. VCF-style (leftmost placement, unchanged base first): chr5-37206250-AAC-A. GRCh37 (hg19) VCF-style: chr5-37206352-AAC-A.
Other names: c.3094_3095del, p.Val1032fs (NM_023073.4); c.3094_3095delGT (NM_001384732.1); short protein forms V1032fs.
Identifiers: ClinVar variation 1917445 (VCV001917445.8), dbSNP rs762200857, ClinGen allele CA3238996.

ClinVar aggregate classification (germline): Pathogenic/Likely pathogenic. Review status: criteria provided, multiple submitters, no conflicts (2 of 4 stars). 3 submissions from 3 submitters: Pathogenic (2); Likely pathogenic (1). Last evaluated 2025-11-17.

Conditions:
Joubert syndrome 17 (JBTS17). Identifiers: Orphanet 475, MedGen C3553264, MONDO:0013824, OMIM 614615.
Joubert syndrome. Also called: CEREBELLOPARENCHYMAL DISORDER IV; JOUBERT-BOLTSHAUSER SYNDROME; Familial aplasia of the vermis. Identifiers: Orphanet 475, MedGen C5979921, MONDO:0018772.

Submissions (3):

Labcorp Genetics (formerly Invitae), Labcorp
Classification: Pathogenic. Last evaluated: 2025-11-17. Review status: criteria provided, single submitter. Criteria: Invitae Variant Classification Sherloc (09022015). Collection method: clinical testing. Allele origin: germline.
Comment: This sequence change creates a premature translational stop signal (p.Val1032Phefs*11) in the CPLANE1 gene. It is expected to result in an absent or disrupted protein product. Loss-of-function variants in CPLANE1 are known to be pathogenic (PMID: 24178751, 26092869). This variant is present in population databases (rs762200857, gnomAD 0.009%). This variant has not been reported in the literature in individuals affected with CPLANE1-related conditions. ClinVar contains an entry for this variant (Variation ID: 1917445). Algorithms developed to predict the effect of sequence changes on RNA splicing suggest that this variant may disrupt the consensus splice site. For these reasons, this variant has been classified as Pathogenic.

Victorian Clinical Genetics Services, Murdoch Childrens Research Institute
Classification: Pathogenic for Joubert syndrome 17. Last evaluated: 2024-10-01. Review status: criteria provided, single submitter. Criteria: ACMG Guidelines, 2015. Collection method: clinical testing. Allele origin: germline. Affected: yes.
Comment: This variant is classified as Pathogenic. Evidence in support of pathogenic classification: Variant is predicted to cause nonsense-mediated decay (NMD) and loss of protein (premature termination codon is located at least 54 nucleotides upstream of the final exon-exon junction); Variant is present in gnomAD <0.01 for a recessive condition (v4: 9 heterozygote(s), 0 homozygote(s)); This variant has limited previous evidence of pathogenicity in unrelated individuals. This variant has been reported once as pathogenic and once as likely pathogenic (ClinVar); Other NMD-predicted variants comparable to the one identified in this case have very strong previous evidence for pathogenicity. Many NMD-predicted variants have been reported as pathogenic or likely pathogenic (DECIPHER). Additional information: This variant is heterozygous; This gene is associated with autosomal recessive disease; No published segregation evidence has been identified for this variant; No published functional evidence has been identified for this variant; Loss of function is a known mechanism of disease in this gene and is associated with Joubert syndrome 17 (MIM#614615) and orofaciodigital syndrome VI (MIM#277170); Heterozygous variant detected in trans with a second PATHOGENIC heterozygous variant, NM_001384732.1:c.3380C>T; p.(Ser1127Leu), in a recessive disease.

Payam Genetics Center, General Welfare Department of North Khorasan Province
Classification: Likely pathogenic for Joubert syndrome. Last evaluated: 2023-03-01. Review status: criteria provided, single submitter. Criteria: ACMG Guidelines, 2015. Collection method: clinical testing. Allele origin: germline. Affected: yes. Observed: 1 variant allele.
Comment: This sequence change creates a premature translational stop signal (p.Val1032fs) in the CPLANE1 gene. It is expected to result in an absent or disrupted protein product. Loss-of-function variants in CPLANE1 are known to be pathogenic (PMID: 24178751, 26092869). This variant is present in population databases (rs762200857, gnomAD 0.009%) but is not present in Iranom. This variant has not been reported in the literature in individuals affected with CPLANE1-related conditions.

Literature cited by the submitters: PubMed 24178751 (cited by Labcorp Genetics (formerly Invitae), Labcorp); PubMed 26092869 (cited by Labcorp Genetics (formerly Invitae), Labcorp).